The following is an entry in ClinVar:

NM_000038.6(APC):c.2441_2442del (p.Asn813_Phe814insTer)

Gene: APC (APC regulator of Wnt signaling pathway; plus strand). Cytogenetic location: 5q22.2.
Variant type: Deletion.
Coding change: c.2441_2442del on transcript NM_000038.6 (MANE Select); coding-DNA positions 2441 to 2442, 2 bases deleted (TT; older notation c.2441_2442delTT).
Protein change: p.Asn813_Phe814insTer.
Molecular consequence: nonsense. On other transcripts: non-coding transcript variant (2).
Genome position (GRCh38, 1-based): chr5:112,838,035-112,838,036, TT deleted; deleting any 2 consecutive bases within chr5:112,838,033-112,838,036 gives the same sequence; the c. name uses the placement nearest the transcript's 3' end. VCF-style (leftmost placement, unchanged base first): chr5-112838032-ATT-A. GRCh37 (hg19) VCF-style: chr5-112173729-ATT-A.
Other names: c.2441_2442del, p.Asn813_Phe814insTer (NM_001127510.3, NM_001354895.2, NM_001407450.1); c.2387_2388del, p.Asn795_Phe796insTer (NM_001127511.3); c.2495_2496del, p.Asn831_Phe832insTer (NM_001354896.2, NM_001407447.1, NM_001407448.1 and 1 more transcripts); c.2471_2472del, p.Asn823_Phe824insTer (NM_001354897.2); c.2366_2367del, p.Asn788_Phe789insTer (NM_001354898.2); c.2357_2358del, p.Asn785_Phe786insTer (NM_001354899.2); c.2318_2319del, p.Asn772_Phe773insTer (NM_001354900.2); c.2264_2265del, p.Asn754_Phe755insTer (NM_001354901.2, NM_001407453.1); and 11 more.
Identifiers: ClinVar variation 2584053 (VCV002584053.2), dbSNP rs2533421902, ClinGen allele CA2582341467.

ClinVar aggregate classification (germline): Pathogenic (1 of 4 stars; one submission).

Conditions:
Familial adenomatous polyposis 1 (FAP1). Also called: FAMILIAL ADENOMATOUS POLYPOSIS 1, ATTENUATED; POLYPOSIS, ADENOMATOUS INTESTINAL. Identifiers: MedGen C2713442, MONDO:0021056, OMIM 175100. Disease mechanism: loss of function.

Submission:

Myriad Genetics, Inc.
Classification: Pathogenic for Familial adenomatous polyposis 1. Last evaluated: 2023-05-04. Review status: criteria provided, single submitter. Criteria: Myriad Autosomal Dominant, Autosomal Recessive and X-Linked Classification Criteria (2023). Collection method: clinical testing. Allele origin: unknown.
Comment: This variant is considered pathogenic. This variant creates a termination codon and is predicted to result in premature protein truncation.